The following is an entry in ClinVar:

NM_153704.6(TMEM67):c.1834T>C (p.Tyr612His)

Gene: TMEM67 (transmembrane protein 67; plus strand). Cytogenetic location: 8q22.1.
Variant type: single nucleotide variant.
Coding change: c.1834T>C on transcript NM_153704.6 (MANE Select); coding-DNA position 1834, T replaced by C.
Protein change: p.Tyr612His; replaces tyrosine 612 with histidine.
Molecular consequence: missense variant. On other transcripts: non-coding transcript variant (1).
Genome position (GRCh38, 1-based): chr8:93,795,961, T>C. VCF-style: chr8-93795961-T-C. GRCh37 (hg19) VCF-style: chr8-94808189-T-C.
Other names: c.1591T>C, p.Tyr531His (NM_001142301.1); short protein forms Y531H, Y612H.
Identifiers: ClinVar variation 4978109 (VCV004978109.1).

ClinVar aggregate classification (germline): Uncertain significance (1 of 4 stars; one submission).

Conditions:
TMEM67-related disorder. Also called: TMEM67-related condition; TMEM67-related disorders. Identifiers: MedGen CN239423.

Submission:

PreventionGenetics, part of Exact Sciences
Classification: Uncertain significance for TMEM67-related condition. Last evaluated: 2026-03-20. Review status: criteria provided, single submitter. Criteria: ACMG Guidelines, 2015. Collection method: clinical testing. Allele origin: germline.
Comment: The TMEM67 c.1834T>C variant is predicted to result in the amino acid substitution p.Tyr612His. To our knowledge, this variant has not been reported in the literature or in a large population database (gnomAD), indicating this variant is rare. At this time, the clinical significance of this variant is uncertain due to the absence of conclusive functional and genetic evidence.